The following is an entry in ClinVar:

NM_024675.4(PALB2):c.823A>T (p.Thr275Ser)

Gene: PALB2 (partner and localizer of BRCA2; minus strand). Cytogenetic location: 16p12.2.
Variant type: single nucleotide variant.
Coding change: c.823A>T on transcript NM_024675.4 (MANE Select); coding-DNA position 823, A replaced by T.
Protein change: p.Thr275Ser; replaces threonine 275 with serine.
Molecular consequence: missense variant.
Genome position (GRCh38, 1-based): chr16:23,635,723, T>A on the plus strand (A>T on the coding strand, the complement: PALB2 is on the minus strand). VCF-style: chr16-23635723-T-A. GRCh37 (hg19) VCF-style: chr16-23647044-T-A.
Other names: short protein forms T275S.
Identifiers: ClinVar variation 949929 (VCV000949929.12), dbSNP rs1555461608, ClinGen allele CA395135968.

ClinVar aggregate classification (germline): Uncertain significance. Review status: criteria provided, multiple submitters, no conflicts (2 of 4 stars). 2 submissions from 2 submitters: Uncertain significance (2). Last evaluated 2025-03-26.

Conditions:
Familial cancer of breast. Also called: BREAST CANCER, FAMILIAL; Hereditary breast cancer; hereditary breast carcinoma. Identifiers: Orphanet 227535, MedGen C0346153, MONDO:0016419, OMIM 114480. Disease mechanism: loss of function.
Hereditary cancer-predisposing syndrome. Also called: Tumor predisposition; Hereditary neoplastic syndrome; Neoplastic Syndromes, Hereditary; Hereditary Cancer Syndrome. Identifiers: Orphanet 140162, MedGen C0027672, MeSH D009386, MONDO:0015356.

gnomAD v4.1: 1 of 1,614,124 alleles (0.000062%); highest among the groups gnomAD compares: Non-Finnish European, 0.000085%; no homozygotes.

Submissions (2):

Labcorp Genetics (formerly Invitae), Labcorp
Classification: Uncertain significance for Familial cancer of breast. Last evaluated: 2025-03-26. Review status: criteria provided, single submitter. Criteria: Invitae Variant Classification Sherloc (09022015). Collection method: clinical testing. Allele origin: germline.
Comment: This sequence change replaces threonine, which is neutral and polar, with serine, which is neutral and polar, at codon 275 of the PALB2 protein (p.Thr275Ser). This variant is not present in population databases (gnomAD no frequency). This variant has not been reported in the literature in individuals affected with PALB2-related conditions. ClinVar contains an entry for this variant (Variation ID: 949929). An algorithm developed to predict the effect of missense changes on protein structure and function outputs the following: PolyPhen-2: "Benign". The serine amino acid residue is found in multiple mammalian species, which suggests that this missense change does not adversely affect protein function. In summary, the available evidence is currently insufficient to determine the role of this variant in disease. Therefore, it has been classified as a Variant of Uncertain Significance.

Color Diagnostics, LLC DBA Color Health
Classification: Uncertain significance for Hereditary cancer-predisposing syndrome. Last evaluated: 2022-02-14. Review status: criteria provided, single submitter. Criteria: ACMG Guidelines, 2015. Collection method: clinical testing. Allele origin: germline.
Comment: This missense variant replaces threonine with serine at codon 275 of the PALB2 protein. Computational prediction suggests that this variant may not impact protein structure and function (internally defined REVEL score threshold <= 0.5, PMID: 27666373). To our knowledge, functional studies have not been reported for this variant. This variant has not been reported in individuals affected with hereditary cancer in the literature. This variant has not been identified in the general population by the Genome Aggregation Database (gnomAD). The available evidence is insufficient to determine the role of this variant in disease conclusively. Therefore, this variant is classified as a Variant of Uncertain Significance.